The following is an entry in ClinVar:

ClinVar aggregate classification (germline): Uncertain significance (1 of 4 stars; one submission).

Conditions:
Inborn genetic diseases. Identifiers: MedGen C0950123, MeSH D030342.

Submission:

Ambry Genetics
Classification: Uncertain significance for Inborn genetic diseases. Last evaluated: 2026-09-03. Review status: criteria provided, single submitter. Criteria: Ambry Variant Classification Scheme 2023. Collection method: clinical testing. Allele origin: germline.
Comment: The p.P1035R variant (also known as c.3104C>G), located in coding exon 13 of the ASXL1 gene, results from a C to G substitution at nucleotide position 3104. The proline at codon 1035 is replaced by arginine, an amino acid with dissimilar properties. This amino acid position is conserved. In addition, this alteration is predicted to be tolerated by in silico analysis. Based on the available evidence, the clinical significance of this variant remains unclear.

NM_015338.6(ASXL1):c.3104C>G (p.Pro1035Arg)

Gene: ASXL1 (ASXL transcriptional regulator 1; plus strand). Cytogenetic location: 20q11.21.
Variant type: single nucleotide variant.
Coding change: c.3104C>G on transcript NM_015338.6 (MANE Select); coding-DNA position 3104, C replaced by G.
Protein change: p.Pro1035Arg; replaces proline 1035 with arginine.
Molecular consequence: missense variant.
Genome position (GRCh38, 1-based): chr20:32,435,816, C>G. VCF-style: chr20-32435816-C-G. GRCh37 (hg19) VCF-style: chr20-31023619-C-G.
Other names: c.2921C>G, p.Pro974Arg (NM_001363734.1); short protein forms P1035R, P974R.
Identifiers: ClinVar variation 5030494 (VCV005030494.1).